The following is an entry in ClinVar:

ClinVar aggregate classification (germline): Benign (1 of 4 stars; one submission).

Allele frequency attached by ClinVar (database versions not stated): 1000 Genomes Project 0.62001; TOPMed 0.68702; gnomAD 0.69011 and 0.69672.

Submission:

GeneDx
Classification: Benign. Last evaluated: 2019-04-19. Review status: criteria provided, single submitter. Criteria: GeneDx Variant Classification Process June 2021. Collection method: clinical testing. Allele origin: germline. Affected: yes.
Comment: This variant is associated with the following publications: (PMID: 24839866, 26239639, 2571723, 24748463, 28627263, 19917630, 25966251, 25195148, 25981582, 23900673, 21154765, 29145255, 23542780, 25955681, 29023981, 24453029)

NM_000575.5(IL1A):c.*925_*928dup

Gene: IL1A (interleukin 1 alpha; minus strand). Cytogenetic location: 2q14.1.
Variant type: Duplication.
Coding change: c.*925_*928dup on transcript NM_000575.5 (MANE Select); 925 bases downstream of the stop codon through 928 bases downstream of the stop codon, 4 bases duplicated (TTCA; older notation c.*925_*928dupTTCA).
Molecular consequence: 3 prime UTR variant.
Genome position (GRCh38, 1-based): chr2:112,774,139-112,774,142, TGAA duplicated on the plus strand (TTCA on the coding strand, the reverse complement: IL1A is on the minus strand). VCF-style (leftmost placement, unchanged base first): chr2-112774138-T-TTGAA. GRCh37 (hg19) VCF-style: chr2-113531715-T-TTGAA.
Other names: c.*925_*928dup (NM_001371554.1).
Identifiers: ClinVar variation 1245422 (VCV001245422.2), dbSNP rs16347, ClinGen allele CA53706457.